The following is an entry in ClinVar:

ClinVar aggregate classification (germline): Uncertain significance (1 of 4 stars; one submission).

Submission:

Labcorp Genetics (formerly Invitae), Labcorp
Classification: Uncertain significance. Last evaluated: 2022-07-20. Review status: criteria provided, single submitter. Criteria: Invitae Variant Classification Sherloc (09022015). Collection method: clinical testing. Allele origin: germline.
Comment: This variant, c.1183_1185del, results in the deletion of 1 amino acid(s) of the ZCCHC8 protein (p.Gln395del), but otherwise preserves the integrity of the reading frame. This variant is not present in population databases (gnomAD no frequency). In summary, the available evidence is currently insufficient to determine the role of this variant in disease. Therefore, it has been classified as a Variant of Uncertain Significance. Experimental studies and prediction algorithms are not available or were not evaluated, and the functional significance of this variant is currently unknown. This variant has not been reported in the literature in individuals affected with ZCCHC8-related conditions.

NM_017612.5(ZCCHC8):c.1180CAG[1] (p.Gln395del)

Gene: ZCCHC8 (zinc finger CCHC-type containing 8; minus strand). Cytogenetic location: 12q24.31.
Variant type: Microsatellite.
Coding change: c.1180CAG[1] on transcript NM_017612.5 (MANE Select); one copy of the 3-base unit CAG starting at c.1180; the reference has two copies in a row; one copy, 3 bases deleted.
Protein change: p.Gln395del; deletes glutamine 395.
Molecular consequence: inframe deletion.
Genome position (GRCh38, 1-based): chr12:122,478,248-122,478,250, CTG deleted on the plus strand (CAG on the coding strand, the reverse complement: ZCCHC8 is on the minus strand); deleting any 3 consecutive bases within chr12:122,478,248-122,478,253 gives the same sequence; the position shown is the placement nearest the transcript's 3' end. VCF-style (leftmost placement, unchanged base first): chr12-122478247-TCTG-T. GRCh37 (hg19) VCF-style: chr12-122962794-TCTG-T.
Other names: c.949CAG[1], p.Gln318del (NM_001350935.2); c.883CAG[1], p.Gln296del (NM_001350936.2); c.466CAG[1], p.Gln157del (NM_001350937.2, NM_001350938.2); short protein forms Q395del, Q157del, Q296del, Q318del.
Identifiers: ClinVar variation 2016239 (VCV002016239.4), dbSNP rs2547199178, ClinGen allele CA2580614593.